The following is an entry in ClinVar:

ClinVar aggregate classification (germline): Uncertain significance (1 of 4 stars; one submission).

Conditions:
3-methylglutaconic aciduria, type VIIB (MGCA7B). Also called: CLPB Deficiency; 3-methylglutaconic aciduria, type VII, with cataracts, neurologic involvement and neutropenia; 3-methylglutaconic aciduria with cataracts, neurologic involvement and neutropenia. Identifiers: Orphanet 445038, MedGen C5676893, MONDO:0014561, OMIM 616271.

Submission:

Labcorp Genetics (formerly Invitae), Labcorp
Classification: Uncertain significance for 3-methylglutaconic aciduria, type VIIB. Last evaluated: 2022-03-14. Review status: criteria provided, single submitter. Criteria: Invitae Variant Classification Sherloc (09022015). Collection method: clinical testing. Allele origin: germline.
Comment: This sequence change replaces glutamic acid, which is acidic and polar, with alanine, which is neutral and non-polar, at codon 140 of the CLPB protein (p.Glu140Ala). This variant is not present in population databases (gnomAD no frequency). This variant has not been reported in the literature in individuals affected with CLPB-related conditions. Algorithms developed to predict the effect of missense changes on protein structure and function are either unavailable or do not agree on the potential impact of this missense change (SIFT: "Deleterious"; PolyPhen-2: "Benign"; Align-GVGD: "Class C0"). In summary, the available evidence is currently insufficient to determine the role of this variant in disease. Therefore, it has been classified as a Variant of Uncertain Significance.

NM_001258392.3(CLPB):c.419A>C (p.Glu140Ala)

Gene: CLPB (ClpB family mitochondrial disaggregase; minus strand). Cytogenetic location: 11q13.4.
Variant type: single nucleotide variant.
Coding change: c.419A>C on transcript NM_001258392.3 (MANE Select); coding-DNA position 419, A replaced by C.
Protein change: p.Glu140Ala; replaces glutamic acid 140 with alanine.
Molecular consequence: missense variant. On other transcripts: synonymous variant (1).
Genome position (GRCh38, 1-based): chr11:72,430,348, T>G on the plus strand (A>C on the coding strand, the complement: CLPB is on the minus strand). VCF-style: chr11-72430348-T-G. GRCh37 (hg19) VCF-style: chr11-72141392-T-G.
Other names: c.419A>C, p.Glu140Ala (NM_001258393.3, NM_030813.6); c.177A>C, p.Gly59= (NM_001258394.3); short protein forms E140A.
Identifiers: ClinVar variation 2111990 (VCV002111990.1), dbSNP rs2495983408, ClinGen allele CA381962690.